The following is an entry in ClinVar:

NM_001401501.2(MUC16):c.6830T>C (p.Ile2277Thr)

Gene: MUC16 (mucin 16, cell surface associated; minus strand). Cytogenetic location: 19p13.2.
Variant type: single nucleotide variant.
Coding change: c.6830T>C on transcript NM_001401501.2 (MANE Select); coding-DNA position 6830, T replaced by C.
Protein change: p.Ile2277Thr; replaces isoleucine 2277 with threonine.
Molecular consequence: missense variant.
Genome position (GRCh38, 1-based): chr19:8,974,429, A>G on the plus strand (T>C on the coding strand, the complement: MUC16 is on the minus strand). VCF-style: chr19-8974429-A-G. GRCh37 (hg19) VCF-style: chr19-9085105-A-G.
Other names: c.7256T>C, p.Ile2419Thr (NM_001414686.1); c.6710T>C, p.Ile2237Thr (NM_001414687.1, NM_024690.2); short protein forms I2237T, I2277T, I2419T.
Identifiers: ClinVar variation 3046755 (VCV003046755.2), dbSNP rs532869358, ClinGen allele CA9172360.

ClinVar aggregate classification (germline): Likely benign (0 of 4 stars; one submission).

Conditions:
MUC16-related disorder. Also called: MUC16-related condition.

Allele frequency attached by ClinVar (database versions not stated): gnomAD 0.00007; gnomAD exomes 0.00009; 1000 Genomes Project 30x 0.00016; 1000 Genomes Project 0.00020; TOPMed 0.00026; ExAC 0.00041.

Submission:

PreventionGenetics, part of Exact Sciences
Classification: Likely benign for MUC16-related condition. Last evaluated: 2023-05-20. Review status: no assertion criteria provided. Collection method: clinical testing. Allele origin: germline.
Comment: This variant is classified as likely benign based on ACMG/AMP sequence variant interpretation guidelines (Richards et al. 2015 PMID: 25741868, with internal and published modifications).